The following is an entry in ClinVar:

ClinVar aggregate classification (germline): Uncertain significance (1 of 4 stars; one submission).

Conditions:
Hereditary cancer-predisposing syndrome. Also called: Tumor predisposition; Hereditary Cancer Syndrome; Hereditary neoplastic syndrome; Neoplastic Syndromes, Hereditary. Identifiers: Orphanet 140162, MedGen C0027672, MeSH D009386, MONDO:0015356.

Submission:

Ambry Genetics
Classification: Uncertain significance for Hereditary cancer-predisposing syndrome. Last evaluated: 2023-08-26. Review status: criteria provided, single submitter. Criteria: Ambry Variant Classification Scheme 2023. Collection method: clinical testing. Allele origin: germline.
Comment: The p.M331V variant (also known as c.991A>G), located in coding exon 7 of the BRIP1 gene, results from an A to G substitution at nucleotide position 991. The methionine at codon 331 is replaced by valine, an amino acid with highly similar properties. This amino acid position is conserved. In addition, this alteration is predicted to be tolerated by in silico analysis. Since supporting evidence is limited at this time, the clinical significance of this alteration remains unclear.

NM_032043.3(BRIP1):c.991A>G (p.Met331Val)

Gene: BRIP1 (BRCA1 interacting DNA helicase 1; minus strand). Cytogenetic location: 17q23.2.
Variant type: single nucleotide variant.
Coding change: c.991A>G on transcript NM_032043.3 (MANE Select); coding-DNA position 991, A replaced by G.
Protein change: p.Met331Val; replaces methionine 331 with valine.
Molecular consequence: missense variant.
Genome position (GRCh38, 1-based): chr17:61,801,402, T>C on the plus strand (A>G on the coding strand, the complement: BRIP1 is on the minus strand). VCF-style: chr17-61801402-T-C. GRCh37 (hg19) VCF-style: chr17-59878763-T-C.
Other names: short protein forms M331V.
Identifiers: ClinVar variation 2624596 (VCV002624596.2), dbSNP rs1380876424, ClinGen allele CA400484163.
Genomic context (GRCh38, chr17:61,801,402, plus strand): 5'-GACAGGCCTTTAGTTTCTTCCCCAGGCTGACAAGTTCTTCTATATCCCAGGCTTTGCACA[T>C]CCCTTGGAAAGTCTGTAATGTGTGCTGATCACTAATTTTATGAACTCCATGATAAAAATA-3'
Protein context (NP_114432.2, residues 321-341): DQHTLQTFQG[Met331Val]CKAWDIEELV